The following is an entry in ClinVar:

ClinVar aggregate classification (germline): Uncertain significance. Review status: criteria provided, multiple submitters, no conflicts (2 of 4 stars). 3 submissions from 3 submitters: Uncertain significance (3). Last evaluated 2023-06-01.

Conditions:
Inborn genetic diseases. Identifiers: MedGen C0950123, MeSH D030342.

Allele frequency attached by ClinVar (database versions not stated): ExAC 0.00005; gnomAD 0.00006 and 0.00007; ESP Exome Variant Server 0.00008; TOPMed 0.00008.
gnomAD v4.1: 252 of 1,613,468 alleles (0.016%); highest among the groups gnomAD compares: Non-Finnish European, 0.02%; no homozygotes.

Submissions (3):

GeneDx
Classification: Uncertain significance. Last evaluated: 2023-06-01. Review status: criteria provided, single submitter. Criteria: GeneDx Variant Classification Process June 2021. Collection method: clinical testing. Allele origin: germline. Affected: yes.
Comment: Not observed at significant frequency in large population cohorts (gnomAD); In silico analysis supports that this missense variant has a deleterious effect on protein structure/function; Has not been previously published as pathogenic or benign to our knowledge

Labcorp Genetics (formerly Invitae), Labcorp
Classification: Uncertain significance. Last evaluated: 2022-10-17. Review status: criteria provided, single submitter. Criteria: Invitae Variant Classification Sherloc (09022015). Collection method: clinical testing. Allele origin: germline.
Comment: This sequence change replaces glutamine, which is neutral and polar, with arginine, which is basic and polar, at codon 177 of the ERCC6 protein (p.Gln177Arg). This variant is present in population databases (rs141372606, gnomAD 0.006%). This variant has not been reported in the literature in individuals affected with ERCC6-related conditions. ClinVar contains an entry for this variant (Variation ID: 1469996). Advanced modeling of protein sequence and biophysical properties (such as structural, functional, and spatial information, amino acid conservation, physicochemical variation, residue mobility, and thermodynamic stability) performed at Invitae indicates that this missense variant is not expected to disrupt ERCC6 protein function. In summary, the available evidence is currently insufficient to determine the role of this variant in disease. Therefore, it has been classified as a Variant of Uncertain Significance.

Ambry Genetics
Classification: Uncertain significance for Inborn genetic diseases. Last evaluated: 2021-05-13. Review status: criteria provided, single submitter. Criteria: Ambry Variant Classification Scheme 2023. Collection method: clinical testing. Allele origin: germline.
Comment: The c.530A>G (p.Q177R) alteration is located in exon 3 (coding exon 2) of the ERCC6 gene. This alteration results from a A to G substitution at nucleotide position 530, causing the glutamine (Q) at amino acid position 177 to be replaced by an arginine (R). The in silico prediction for the p.Q177R alteration is inconclusive. Based on insufficient or conflicting evidence, the clinical significance of this alteration remains unclear.

NM_000124.4(ERCC6):c.530A>G (p.Gln177Arg)

Gene: ERCC6 (ERCC excision repair 6, chromatin remodeling factor; minus strand). Cytogenetic location: 10q11.23.
Variant type: single nucleotide variant.
Coding change: c.530A>G on transcript NM_000124.4 (MANE Select); coding-DNA position 530, A replaced by G.
Protein change: p.Gln177Arg; replaces glutamine 177 with arginine.
Molecular consequence: missense variant.
Genome position (GRCh38, 1-based): chr10:49,530,733, T>C on the plus strand (A>G on the coding strand, the complement: ERCC6 is on the minus strand). VCF-style: chr10-49530733-T-C. GRCh37 (hg19) VCF-style: chr10-50738779-T-C.
Other names: c.530A>G, p.Gln177Arg (NM_001277058.2, NM_001277059.2, NM_001346440.2); c.530A>G (NM_000124.2); short protein forms Q177R.
Identifiers: ClinVar variation 1469996 (VCV001469996.5), dbSNP rs141372606, ClinGen allele CA5496515.